The following is an entry in ClinVar:

ClinVar aggregate classification (germline): Benign/Likely benign. Review status: criteria provided, multiple submitters, no conflicts (2 of 4 stars). 7 submissions from 7 submitters: Benign (5); Likely benign (2). Last evaluated 2026-06-05.

Conditions:
Achondrogenesis, type IA (ACG1A). Identifiers: Orphanet 932, Orphanet 93299, MedGen C0265273, MONDO:0008701, OMIM 200600.
Connective tissue disorder. Also called: Connective tissue disease. Identifiers: MedGen C0009782, MONDO:0003900.

Allele frequency attached by ClinVar (database versions not stated): ExAC 0.00207; gnomAD 0.00648 and 0.00686; TOPMed 0.00753; ESP Exome Variant Server 0.00661; 1000 Genomes Project 0.00859; gnomAD exomes 0.00169 and 0.00061; 1000 Genomes Project 30x 0.00906.

Submissions (7):

Women's Health and Genetics/Laboratory Corporation of America, LabCorp
Classification: Likely benign. Last evaluated: 2026-06-05. Review status: criteria provided, single submitter. Criteria: LabCorp Variant Classification Summary - May 2015. Collection method: clinical testing. Allele origin: germline.
Comment: Variant summary: TRIP11 c.4507A>G (p.Met1503Val) results in a conservative amino acid change in the encoded protein sequence. Algorithms developed to predict the effect of missense changes on protein structure and function all suggest that this variant is likely to be tolerated. The variant allele was found at a frequency of 0.0017 in 251242 control chromosomes, predominantly at a frequency of 0.022 within the African or African-American subpopulation in the gnomAD database, including 5 homozygotes. The observed variant frequency within African or African-American control individuals in the gnomAD database exceeds the estimated maximal expected allele frequency for disease-causing variants in TRIP11. To our knowledge, no occurrence of c.4507A>G in individuals affected with TRIP11-related conditions and no experimental evidence demonstrating its impact on protein function have been reported. ClinVar contains an entry for this variant (Variation ID: 314940). Based on the evidence outlined above, the variant was classified as likely benign.

Labcorp Genetics (formerly Invitae), Labcorp
Classification: Benign for Achondrogenesis, type IA. Last evaluated: 2026-01-04. Review status: criteria provided, single submitter. Criteria: Invitae Variant Classification Sherloc (09022015). Collection method: clinical testing. Allele origin: germline.

ARUP Laboratories, Molecular Genetics and Genomics, ARUP Laboratories
Classification: Benign. Last evaluated: 2024-12-27. Review status: criteria provided, single submitter. Criteria: ARUP Molecular Germline Variant Investigation Process 2024. Collection method: clinical testing. Allele origin: germline.

Genome Diagnostics Laboratory, The Hospital for Sick Children
Classification: Likely benign for Connective tissue disorder. Last evaluated: 2019-07-01. Review status: criteria provided, single submitter. Criteria: ACMG Guidelines, 2015. Collection method: clinical testing. Allele origin: germline.

GeneDx
Classification: Benign. Last evaluated: 2018-02-05. Review status: criteria provided, single submitter. Criteria: GeneDx Variant Classification (06012015). Collection method: clinical testing. Allele origin: germline. Affected: yes.
Comment: This variant is considered likely benign or benign based on one or more of the following criteria: it is a conservative change, it occurs at a poorly conserved position in the protein, it is predicted to be benign by multiple in silico algorithms, and/or has population frequency not consistent with disease.

Illumina Laboratory Services, Illumina
Classification: Benign for Achondrogenesis, type IA. Last evaluated: 2018-01-13. Review status: criteria provided, single submitter. Criteria: ICSL Variant Classification Criteria 13 December 2019. Collection method: clinical testing. Allele origin: germline.
Comment: This variant was observed in the ICSL laboratory as part of a predisposition screen in an ostensibly healthy population. It had not been previously curated by ICSL or reported in the Human Gene Mutation Database (HGMD: prior to June 1st, 2018), and was therefore a candidate for classification through an automated scoring system. Utilizing variant allele frequency, disease prevalence and penetrance estimates, and inheritance mode, an automated score was calculated to assess if this variant is too frequent to cause the disease. Based on the score and internal cut-off values, a variant classified as benign is not then subjected to further curation. The score for this variant resulted in a classification of benign for this disease.

Breakthrough Genomics
Classification: Benign. Review status: criteria provided, single submitter. Criteria: ACMG Guidelines, 2015. Collection method: not provided. Allele origin: germline. Inheritance: Autosomal recessive inheritance. Affected: yes.

NM_004239.4(TRIP11):c.4507A>G (p.Met1503Val)

Gene: TRIP11 (thyroid hormone receptor interactor 11; minus strand). Cytogenetic location: 14q32.12.
Variant type: single nucleotide variant.
Coding change: c.4507A>G on transcript NM_004239.4 (MANE Select); coding-DNA position 4507, A replaced by G.
Protein change: p.Met1503Val; replaces methionine 1503 with valine.
Molecular consequence: missense variant.
Genome position (GRCh38, 1-based): chr14:92,003,469, T>C on the plus strand (A>G on the coding strand, the complement: TRIP11 is on the minus strand). VCF-style: chr14-92003469-T-C. GRCh37 (hg19) VCF-style: chr14-92469813-T-C.
Other names: c.4504A>G, p.Met1502Val (NM_001321851.1); short protein forms M1503V, M1502V.
Identifiers: ClinVar variation 314940 (VCV000314940.30), dbSNP rs34839498, ClinGen allele CA7313444.